The following is an entry in ClinVar:

ClinVar aggregate classification (germline): Uncertain significance (1 of 4 stars; one submission).

Conditions:
2-aminoadipic 2-oxoadipic aciduria (AAKAD). Also called: ALPHA-AMINOADIPIC AND ALPHA-KETOADIPIC ACIDURIA; Aminoadipic aciduria. Identifiers: Orphanet 79154, MedGen C1859817, MONDO:0008774, OMIM 204750.

Allele frequency attached by ClinVar (database versions not stated): gnomAD exomes below 0.00001 and 0.00001; ExAC 0.00001; gnomAD 0.00001; TOPMed 0.00003.
gnomAD v4.1: 12 of 1,614,018 alleles (0.00074%); highest among the groups gnomAD compares: Non-Finnish European, 0.001%; no homozygotes.

Submission:

Labcorp Genetics (formerly Invitae), Labcorp
Classification: Uncertain significance for 2-aminoadipic 2-oxoadipic aciduria. Last evaluated: 2022-03-20. Review status: criteria provided, single submitter. Criteria: Invitae Variant Classification Sherloc (09022015). Collection method: clinical testing. Allele origin: germline.
Comment: In summary, the available evidence is currently insufficient to determine the role of this variant in disease. Therefore, it has been classified as a Variant of Uncertain Significance. Algorithms developed to predict the effect of missense changes on protein structure and function are either unavailable or do not agree on the potential impact of this missense change (SIFT: "Deleterious"; PolyPhen-2: "Probably Damaging"; Align-GVGD: "Class C0"). This variant has not been reported in the literature in individuals affected with DHTKD1-related conditions. This variant is present in population databases (rs755428426, gnomAD 0.0009%). This sequence change replaces tryptophan, which is neutral and slightly polar, with glycine, which is neutral and non-polar, at codon 661 of the DHTKD1 protein (p.Trp661Gly).

NM_018706.7(DHTKD1):c.1981T>G (p.Trp661Gly)

Gene: DHTKD1 (dehydrogenase E1 and transketolase domain containing 1; plus strand). Cytogenetic location: 10p14.
Variant type: single nucleotide variant.
Coding change: c.1981T>G on transcript NM_018706.7 (MANE Select); coding-DNA position 1981, T replaced by G.
Protein change: p.Trp661Gly; replaces tryptophan 661 with glycine.
Molecular consequence: missense variant.
Genome position (GRCh38, 1-based): chr10:12,106,330, T>G. VCF-style: chr10-12106330-T-G. GRCh37 (hg19) VCF-style: chr10-12148329-T-G.
Other names: short protein forms W661G.
Identifiers: ClinVar variation 1384247 (VCV001384247.6), dbSNP rs755428426, ClinGen allele CA5408089.
Genomic context (GRCh38, chr10:12,106,330, plus strand): 5'-GAGGCCGTCCTGGGATTTGAATATGGGATGAGCATTGAGAGCCCAAAGTTACTGCCCCTG[T>G]GGGAGGCACAGTTTGGCGATTTCTTCAATGGTGCCCAGATCATCTTTGACACATTCATCT-3'
Protein context (NP_061176.4, residues 651-671): SIESPKLLPL[Trp661Gly]EAQFGDFFNG